The following is an entry in ClinVar:

ClinVar aggregate classification (germline): Likely pathogenic (1 of 4 stars; one submission).

Submission:

Dasa
Classification: Likely pathogenic. Last evaluated: 2024-07-22. Review status: criteria provided, single submitter. Criteria: DASA Assertion Criteria. Collection method: clinical testing. Allele origin: germline.
Comment: NM_004380.3(CREBBP):c.3269T>A (p.Leu1090*) introduces a premature termination codon predicted to result in loss of normal protein function. Loss-of-function is an established mechanism of disease for this gene. Based on the available data, this variant is classified as likely pathogenic.

NM_004380.3(CREBBP):c.3269T>A (p.Leu1090Ter)

Gene: CREBBP (CREB binding lysine acetyltransferase; minus strand). Cytogenetic location: 16p13.3.
Variant type: single nucleotide variant.
Coding change: c.3269T>A on transcript NM_004380.3 (MANE Select); coding-DNA position 3269, T replaced by A.
Protein change: p.Leu1090Ter; replaces leucine 1090 with a stop codon.
Molecular consequence: nonsense.
Genome position (GRCh38, 1-based): chr16:3,758,954, A>T on the plus strand (T>A on the coding strand, the complement: CREBBP is on the minus strand). VCF-style: chr16-3758954-A-T. GRCh37 (hg19) VCF-style: chr16-3808955-A-T.
Other names: c.3155T>A, p.Leu1052Ter (NM_001079846.1); short protein forms L1052*, L1090*.
Identifiers: ClinVar variation 4851864 (VCV004851864.1).